The following is an entry in ClinVar:

NM_003239.5(TGFB3):c.754+6_754+10del

Gene: TGFB3 (transforming growth factor beta 3; minus strand). Cytogenetic location: 14q24.3.
Variant type: Deletion.
Coding change: c.754+6_754+10del on transcript NM_003239.5 (MANE Select); bases 6 to 10 of the intron after coding-DNA position 754, 5 bases deleted (AAAAT; older notation c.754+6_754+10delAAAAT).
Molecular consequence: intron variant.
Genome position (GRCh38, 1-based): chr14:75,965,578-75,965,582, ATTTT deleted on the plus strand (AAAAT on the coding strand, the reverse complement: TGFB3 is on the minus strand). VCF-style (leftmost placement, unchanged base first): chr14-75965577-CATTTT-C. GRCh37 (hg19) VCF-style: chr14-76431920-CATTTT-C.
Other names: c.754+6_754+10del (NM_001329939.2, NM_001329938.2).
Identifiers: ClinVar variation 1205005 (VCV001205005.7), dbSNP rs1414628117, ClinGen allele CA615072302.

ClinVar aggregate classification (germline): Conflicting classifications of pathogenicity. Review status: criteria provided, conflicting classifications (1 of 4 stars). 2 submissions from 2 submitters: Uncertain significance (1); Likely benign (1). Last evaluated 2021-04-05.

Conditions:
Rienhoff syndrome. Also called: LOEYS-DIETZ SYNDROME 5. Identifiers: MedGen C3810012, MONDO:0014262, OMIM 615582.

Allele frequency attached by ClinVar (database versions not stated): gnomAD exomes 0.00001 and below 0.00001; TOPMed 0.00001.

Submissions (2):

Labcorp Genetics (formerly Invitae), Labcorp
Classification: Uncertain significance for Rienhoff syndrome. Last evaluated: 2021-04-05. Review status: criteria provided, single submitter. Criteria: Invitae Variant Classification Sherloc (09022015). Collection method: clinical testing. Allele origin: germline.
Comment: In summary, the available evidence is currently insufficient to determine the role of this variant in disease. Therefore, it has been classified as a Variant of Uncertain Significance. Nucleotide substitutions within the consensus splice site are a relatively common cause of aberrant splicing (PMID: 17576681, 9536098). Algorithms developed to predict the effect of sequence changes on RNA splicing suggest that this variant is not likely to affect RNA splicing, but this prediction has not been confirmed by published transcriptional studies. This variant has not been reported in the literature in individuals with TGFB3-related conditions. This variant is not present in population databases (ExAC no frequency). This sequence change falls in intron 4 of the TGFB3 gene. It does not directly change the encoded amino acid sequence of the TGFB3 protein. It affects a nucleotide within the consensus splice site of the intron.

GeneDx
Classification: Likely benign. Last evaluated: 2020-03-16. Review status: criteria provided, single submitter. Criteria: GeneDx Variant Classification Process June 2021. Collection method: clinical testing. Allele origin: germline. Affected: yes.

Literature cited by the submitters: PubMed 17576681 (cited by Labcorp Genetics (formerly Invitae), Labcorp); PubMed 9536098 (cited by Labcorp Genetics (formerly Invitae), Labcorp).